The following is an entry in ClinVar:

NM_001040716.2(PC):c.1333del (p.Arg445fs)

Gene: PC (pyruvate carboxylase; minus strand). Cytogenetic location: 11q13.2.
Variant type: Deletion.
Coding change: c.1333del on transcript NM_001040716.2 (MANE Select); coding-DNA position 1333, one base deleted (A; older notation c.1333delA).
Protein change: p.Arg445fs; shifts the reading frame from arginine 445.
Molecular consequence: frameshift variant.
Genome position (GRCh38, 1-based): chr11:66,863,809, T deleted on the plus strand (A on the coding strand, the reverse complement: PC is on the minus strand). VCF-style (leftmost placement, unchanged base first): chr11-66863808-CT-C. GRCh37 (hg19) VCF-style: chr11-66631279-CT-C.
Other names: c.1333del, p.Arg445fs (NM_000920.4, NM_022172.3); short protein forms R445fs.
Identifiers: ClinVar variation 2109474 (VCV002109474.4), dbSNP rs2495672932, ClinGen allele CA2580084563.

ClinVar aggregate classification (germline): Pathogenic (1 of 4 stars; one submission).

Conditions:
Pyruvate carboxylase deficiency. Also called: LEIGH NECROTIZING ENCEPHALOPATHY DUE TO PYRUVATE CARBOXYLASE DEFICIENCY; LEIGH SYNDROME DUE TO PYRUVATE CARBOXYLASE DEFICIENCY; ATAXIA WITH LACTIC ACIDOSIS II; PC DEFICIENCY; Pyruvate Carboxylase Deficiency Disease. Identifiers: Orphanet 3008, MedGen C0034341, MONDO:0009949, OMIM 266150.

Submission:

Labcorp Genetics (formerly Invitae), Labcorp
Classification: Pathogenic for Pyruvate carboxylase deficiency. Last evaluated: 2022-03-26. Review status: criteria provided, single submitter. Criteria: Invitae Variant Classification Sherloc (09022015). Collection method: clinical testing. Allele origin: germline.
Comment: This variant has not been reported in the literature in individuals affected with PC-related conditions. For these reasons, this variant has been classified as Pathogenic. This variant is not present in population databases (gnomAD no frequency). This sequence change creates a premature translational stop signal (p.Arg445Glyfs*11) in the PC gene. It is expected to result in an absent or disrupted protein product. Loss-of-function variants in PC are known to be pathogenic (PMID: 12112657, 19306334).

Literature cited by the submitters: PubMed 12112657; PubMed 19306334.